The following is an entry in ClinVar:

NM_032380.5(GFM2):c.2321G>T (p.Arg774Leu)

Gene: GFM2 (GTP dependent ribosome recycling factor mitochondrial 2; minus strand). Cytogenetic location: 5q13.3.
Variant type: single nucleotide variant.
Coding change: c.2321G>T on transcript NM_032380.5 (MANE Select); coding-DNA position 2321, G replaced by T.
Protein change: p.Arg774Leu; replaces arginine 774 with leucine.
Molecular consequence: missense variant. On other transcripts: non-coding transcript variant (1).
Genome position (GRCh38, 1-based): chr5:74,721,674, C>A on the plus strand (G>T on the coding strand, the complement: GFM2 is on the minus strand). VCF-style: chr5-74721674-C-A. GRCh37 (hg19) VCF-style: chr5-74017499-C-A.
Other names: c.2417G>T, p.Arg806Leu (NM_001281302.2); c.2180G>T, p.Arg727Leu (NM_170691.3); short protein forms R774L, R806L, R727L.
Identifiers: ClinVar variation 4755287 (VCV004755287.1).

ClinVar aggregate classification (germline): Uncertain significance (1 of 4 stars; one submission).

gnomAD v4.1: 8 of 1,612,454 alleles (0.0005%); highest among the groups gnomAD compares: East Asian, 0.018%; no homozygotes.

Submission:

Labcorp Genetics (formerly Invitae), Labcorp
Classification: Uncertain significance. Last evaluated: 2025-07-27. Review status: criteria provided, single submitter. Criteria: Invitae Variant Classification Sherloc (09022015). Collection method: clinical testing. Allele origin: germline.
Comment: This sequence change replaces arginine, which is basic and polar, with leucine, which is neutral and non-polar, at codon 774 of the GFM2 protein (p.Arg774Leu). This variant is present in population databases (rs1048167, gnomAD 0.03%). This variant has not been reported in the literature in individuals affected with GFM2-related conditions. An algorithm developed to predict the effect of missense changes on protein structure and function (PolyPhen-2) suggests that this variant is likely to be tolerated. In summary, the available evidence is currently insufficient to determine the role of this variant in disease. Therefore, it has been classified as a Variant of Uncertain Significance.